The following is an entry in ClinVar:

ClinVar aggregate classification (germline): Uncertain significance (1 of 4 stars; one submission).

Conditions:
Familial thoracic aortic aneurysm and aortic dissection (TAAD). Also called: Thoracic aortic aneurysms and dissections. Identifiers: Orphanet 91387, MedGen C4707243, MONDO:0019625.

Submission:

Ambry Genetics
Classification: Uncertain significance for Familial thoracic aortic aneurysm and aortic dissection. Last evaluated: 2023-02-26. Review status: criteria provided, single submitter. Criteria: Ambry Variant Classification Scheme 2023. Collection method: clinical testing. Allele origin: germline.
Comment: The p.E384Q variant (also known as c.1150G>C), located in coding exon 7 of the TGFB3 gene, results from a G to C substitution at nucleotide position 1150. The glutamic acid at codon 384 is replaced by glutamine, an amino acid with highly similar properties. This amino acid position is conserved. In addition, the in silico prediction for this alteration is inconclusive. Since supporting evidence is limited at this time, the clinical significance of this alteration remains unclear.

NM_003239.5(TGFB3):c.1150G>C (p.Glu384Gln)

Gene: TGFB3 (transforming growth factor beta 3; minus strand). Cytogenetic location: 14q24.3.
Variant type: single nucleotide variant.
Coding change: c.1150G>C on transcript NM_003239.5 (MANE Select); coding-DNA position 1150, G replaced by C.
Protein change: p.Glu384Gln; replaces glutamic acid 384 with glutamine.
Molecular consequence: missense variant.
Genome position (GRCh38, 1-based): chr14:75,959,276, C>G on the plus strand (G>C on the coding strand, the complement: TGFB3 is on the minus strand). VCF-style: chr14-75959276-C-G. GRCh37 (hg19) VCF-style: chr14-76425619-C-G.
Other names: c.1150G>C, p.Glu384Gln (NM_001329939.2); short protein forms E384Q.
Identifiers: ClinVar variation 2452148 (VCV002452148.2), dbSNP rs1304975316, ClinGen allele CA390467053.